The following is an entry in ClinVar:

ClinVar aggregate classification (germline): Pathogenic (1 of 4 stars; one submission).

Submission:

Labcorp Genetics (formerly Invitae), Labcorp
Classification: Pathogenic. Last evaluated: 2022-04-01. Review status: criteria provided, single submitter. Criteria: Invitae Variant Classification Sherloc (09022015). Collection method: clinical testing. Allele origin: germline.
Comment: For these reasons, this variant has been classified as Pathogenic. This variant has not been reported in the literature in individuals affected with CERKL-related conditions. This variant is not present in population databases (gnomAD no frequency). This sequence change creates a premature translational stop signal (p.Ala212Cysfs*35) in the CERKL gene. It is expected to result in an absent or disrupted protein product. Loss-of-function variants in CERKL are known to be pathogenic (PMID: 14681825, 23591405, 24043777).

Literature cited by the submitters: PubMed 14681825; PubMed 23591405; PubMed 24043777.

NM_201548.5(CERKL):c.634_643del (p.Ala212fs)

Gene: CERKL (CERK like autophagy regulator; minus strand). Cytogenetic location: 2q31.3.
Variant type: Deletion.
Coding change: c.634_643del on transcript NM_201548.5 (MANE Select); coding-DNA positions 634 to 643, 10 bases deleted (GCTCTGTCAC; older notation c.634_643delGCTCTGTCAC).
Protein change: p.Ala212fs; shifts the reading frame from alanine 212.
Molecular consequence: frameshift variant. On other transcripts: intron variant (2).
Genome position (GRCh38, 1-based): chr2:181,566,092-181,566,101, GTGACAGAGC deleted on the plus strand (GCTCTGTCAC on the coding strand, the reverse complement: CERKL is on the minus strand); deleting any 10 consecutive bases within chr2:181,566,092-181,566,104 gives the same sequence; the c. name uses the placement nearest the transcript's 3' end. VCF-style (leftmost placement, unchanged base first): chr2-181566091-AGTGACAGAGC-A. GRCh37 (hg19) VCF-style: chr2-182430818-AGTGACAGAGC-A.
Other names: c.634_643del, p.Ala212fs (NM_001030311.3); c.502_511del, p.Ala168fs (NM_001160277.2); c.482-16393_482-16384del (NM_001030312.3); c.613+7652_613+7661del (NM_001030313.3); short protein forms A168fs, A212fs.
Identifiers: ClinVar variation 2120119 (VCV002120119.4), dbSNP rs2468336455, ClinGen allele CA2580065223.